The following is an entry in ClinVar:

ClinVar aggregate classification (germline): Uncertain significance (1 of 4 stars; one submission).

Conditions:
Cardiovascular phenotype. Identifiers: MedGen CN230736.

Submission:

Ambry Genetics
Classification: Uncertain significance for Cardiovascular phenotype. Last evaluated: 2021-04-19. Review status: criteria provided, single submitter. Criteria: Ambry Variant Classification Scheme 2023. Collection method: clinical testing. Allele origin: germline.
Comment: The p.F121S variant (also known as c.362T>C), located in coding exon 2 of the GATAD1 gene, results from a T to C substitution at nucleotide position 362. The phenylalanine at codon 121 is replaced by serine, an amino acid with highly dissimilar properties. This amino acid position is highly conserved in available vertebrate species. In addition, this alteration is predicted to be deleterious by in silico analysis. Since supporting evidence is limited at this time, the clinical significance of this alteration remains unclear.

NM_021167.5(GATAD1):c.362T>C (p.Phe121Ser)

Gene: GATAD1 (GATA zinc finger domain containing 1; plus strand). Cytogenetic location: 7q21.2.
Variant type: single nucleotide variant.
Coding change: c.362T>C on transcript NM_021167.5 (MANE Select); coding-DNA position 362, T replaced by C.
Protein change: p.Phe121Ser; replaces phenylalanine 121 with serine.
Molecular consequence: missense variant. On other transcripts: non-coding transcript variant (1).
Genome position (GRCh38, 1-based): chr7:92,448,864, T>C. VCF-style: chr7-92448864-T-C. GRCh37 (hg19) VCF-style: chr7-92078178-T-C.
Other names: short protein forms F121S.
Identifiers: ClinVar variation 1733400 (VCV001733400.2), dbSNP rs2484519684, ClinGen allele CA368157310.